The following is an entry in ClinVar:

ClinVar aggregate classification (germline): Uncertain significance. Review status: criteria provided, multiple submitters, no conflicts (2 of 4 stars). 2 submissions from 2 submitters: Uncertain significance (2). Last evaluated 2025-06-28.

Conditions:
Inborn genetic diseases. Identifiers: MedGen C0950123, MeSH D030342.

Submissions (2):

Ambry Genetics
Classification: Uncertain significance for Inborn genetic diseases. Last evaluated: 2025-06-28. Review status: criteria provided, single submitter. Criteria: Ambry Variant Classification Scheme 2023. Collection method: clinical testing. Allele origin: germline.
Comment: The p.G249R variant (also known as c.745G>C), located in coding exon 1 of the SAMD9 gene, results from a G to C substitution at nucleotide position 745. The glycine at codon 249 is replaced by arginine, an amino acid with dissimilar properties. This amino acid position is conserved. In addition, the in silico prediction for this alteration is inconclusive. Based on the available evidence, the clinical significance of this variant remains unclear.

Labcorp Genetics (formerly Invitae), Labcorp
Classification: Uncertain significance. Last evaluated: 2025-04-08. Review status: criteria provided, single submitter. Criteria: Invitae Variant Classification Sherloc (09022015). Collection method: clinical testing. Allele origin: germline.
Comment: This sequence change replaces glycine, which is neutral and non-polar, with arginine, which is basic and polar, at codon 249 of the SAMD9 protein (p.Gly249Arg). This variant is not present in population databases (gnomAD no frequency). This variant has not been reported in the literature in individuals affected with SAMD9-related conditions. Invitae Evidence Modeling of protein sequence and biophysical properties (such as structural, functional, and spatial information, amino acid conservation, physicochemical variation, residue mobility, and thermodynamic stability) has been performed for this missense variant. However, the output from this modeling did not meet the statistical confidence thresholds required to predict the impact of this variant on SAMD9 protein function. In summary, the available evidence is currently insufficient to determine the role of this variant in disease. Therefore, it has been classified as a Variant of Uncertain Significance.

NM_017654.4(SAMD9):c.745G>C (p.Gly249Arg)

Gene: SAMD9 (sterile alpha motif domain containing 9; minus strand). Cytogenetic location: 7q21.2.
Variant type: single nucleotide variant.
Coding change: c.745G>C on transcript NM_017654.4 (MANE Select); coding-DNA position 745, G replaced by C.
Protein change: p.Gly249Arg; replaces glycine 249 with arginine.
Molecular consequence: missense variant.
Genome position (GRCh38, 1-based): chr7:93,105,353, C>G on the plus strand (G>C on the coding strand, the complement: SAMD9 is on the minus strand). VCF-style: chr7-93105353-C-G. GRCh37 (hg19) VCF-style: chr7-92734666-C-G.
Other names: c.745G>C, p.Gly249Arg (NM_001193307.2); short protein forms G249R.
Identifiers: ClinVar variation 4159042 (VCV004159042.2).
Genomic context (GRCh38, chr7:93,105,353, plus strand): 5'-TTATCATCAGATTGAAATGGTTAATGAGGGCTTCCTTGGTATCATTGGTGACTTTGATGC[C>G]AACAATTTTCCCATGGGGTTTGTCTTTGACTCCAAAATGAATAGTGCCATTGGTACGTGA-3'
Protein context (NP_060124.2, residues 239-259): VKDKPHGKIV[Gly249Arg]IKVTNDTKEA